The following is an entry in ClinVar:

NM_000257.4(MYH7):c.1900G>T (p.Gly634Cys)

Gene: MYH7 (myosin heavy chain 7; minus strand). Cytogenetic location: 14q11.2.
Variant type: single nucleotide variant.
Coding change: c.1900G>T on transcript NM_000257.4 (MANE Select); coding-DNA position 1900, G replaced by T.
Protein change: p.Gly634Cys; replaces glycine 634 with cysteine.
Molecular consequence: missense variant.
Genome position (GRCh38, 1-based): chr14:23,427,296, C>A on the plus strand (G>T on the coding strand, the complement: MYH7 is on the minus strand). VCF-style: chr14-23427296-C-A. GRCh37 (hg19) VCF-style: chr14-23896505-C-A.
Other names: short protein forms G634C.
Identifiers: ClinVar variation 1405914 (VCV001405914.8), dbSNP rs2138671225, ClinGen allele CA389049576.

ClinVar aggregate classification (germline): Uncertain significance (1 of 4 stars; one submission).

Conditions:
Hypertrophic cardiomyopathy. Also called: HYPERTROPHIC MYOCARDIOPATHY. Identifiers: Orphanet 217569, MedGen C0007194, MeSH D002312, MONDO:0005045, HP:0001639.

Submission:

Labcorp Genetics (formerly Invitae), Labcorp
Classification: Uncertain significance for Hypertrophic cardiomyopathy. Last evaluated: 2021-02-19. Review status: criteria provided, single submitter. Criteria: Invitae Variant Classification Sherloc (09022015). Collection method: clinical testing. Allele origin: germline.
Comment: This sequence change replaces glycine with cysteine at codon 634 of the MYH7 protein (p.Gly634Cys). The glycine residue is highly conserved and there is a large physicochemical difference between glycine and cysteine. This variant is not present in population databases (ExAC no frequency). This variant has not been reported in the literature in individuals with MYH7-related conditions. Algorithms developed to predict the effect of missense changes on protein structure and function (SIFT, PolyPhen-2, Align-GVGD) all suggest that this variant is likely to be disruptive, but these predictions have not been confirmed by published functional studies and their clinical significance is uncertain. This variant is found within a region of MYH7 between codons 181 and 937 that contains the majority of the myosin head domain. Missense variants in this region have been shown to be significantly overrepresented in individuals with hypertrophic cardiomyopathy (PMID: 27532257). In summary, the available evidence is currently insufficient to determine the role of this variant in disease. Therefore, it has been classified as a Variant of Uncertain Significance.

Literature cited by the submitters: PubMed 27532257.